The following is an entry in ClinVar:

NM_003924.4(PHOX2B):c.215A>G (p.Asp72Gly)

Genes: PHOX2B (paired like homeobox 2B; minus strand), PHOX2B-AS1 (PHOX2B antisense RNA 1; plus strand). Cytogenetic location: 4p13.
Variant type: single nucleotide variant.
Coding change: c.215A>G on transcript NM_003924.4 (MANE Select); coding-DNA position 215, A replaced by G.
Protein change: p.Asp72Gly; replaces aspartic acid 72 with glycine.
Molecular consequence: missense variant. On other transcripts: non-coding transcript variant (1).
Genome position (GRCh38, 1-based): chr4:41,748,396, T>C on the plus strand (A>G on the coding strand, the complement: PHOX2B is on the minus strand). VCF-style: chr4-41748396-T-C. GRCh37 (hg19) VCF-style: chr4-41750413-T-C.
Other names: short protein forms D72G.
Identifiers: ClinVar variation 5026523 (VCV005026523.1).

ClinVar aggregate classification (germline): Uncertain significance (1 of 4 stars; one submission).

Conditions:
Hereditary cancer-predisposing syndrome. Also called: Neoplastic Syndromes, Hereditary; Tumor predisposition; Hereditary neoplastic syndrome; Hereditary Cancer Syndrome. Identifiers: Orphanet 140162, MedGen C0027672, MeSH D009386, MONDO:0015356.

Submission:

Ambry Genetics
Classification: Uncertain significance for Hereditary cancer-predisposing syndrome. Last evaluated: 2026-08-25. Review status: criteria provided, single submitter. Criteria: Ambry Variant Classification Scheme 2023. Collection method: clinical testing. Allele origin: germline.
Comment: The p.D72G variant (also known as c.215A>G), located in coding exon 1 of the PHOX2B gene, results from an A to G substitution at nucleotide position 215. The aspartic acid at codon 72 is replaced by glycine, an amino acid with similar properties. This amino acid position is highly conserved in available vertebrate species. In addition, this alteration is predicted to be deleterious by in silico analysis. Based on the available evidence, the clinical significance of this variant remains unclear.